The following is an entry in ClinVar:

NM_007294.4(BRCA1):c.1960A>T (p.Lys654Ter)

Gene: BRCA1 (BRCA1 DNA repair associated; minus strand). Cytogenetic location: 17q21.31.
Variant type: single nucleotide variant.
Coding change: c.1960A>T on transcript NM_007294.4 (MANE Select); coding-DNA position 1960, A replaced by T.
Protein change: p.Lys654Ter; replaces lysine 654 with a stop codon.
Molecular consequence: nonsense. On other transcripts: intron variant (137).
Genome position (GRCh38, 1-based): chr17:43,093,571, T>A on the plus strand (A>T on the coding strand, the complement: BRCA1 is on the minus strand). VCF-style: chr17-43093571-T-A. GRCh37 (hg19) VCF-style: chr17-41245588-T-A.
Other names: p.K654*:AAG>TAG; 2079A>T; c.1882A>T, p.Lys628Ter (NM_001407655.1, NM_001407656.1, NM_001407657.1 and 4 more transcripts); c.1879A>T, p.Lys627Ter (NM_001407659.1, NM_001407660.1, NM_001407661.1 and 1 more transcripts); c.1837A>T, p.Lys613Ter (NM_001407664.1, NM_001407665.1, NM_001407666.1 and 19 more transcripts); c.1834A>T, p.Lys612Ter (NM_001407670.1, NM_001407671.1, NM_001407672.1 and 11 more transcripts); c.1960A>T, p.Lys654Ter (NM_001407684.1, NM_001407854.1, NM_001407858.1 and 30 more transcripts); c.1819A>T, p.Lys607Ter (NM_001407692.1, NM_001407694.1, NM_001407695.1 and 29 more transcripts); and 42 more; short protein forms K654*, K607*, K527*, K584*, K606*, K653*, K526*, K542*.
Identifiers: ClinVar variation 37436 (VCV000037436.39), dbSNP rs80357355, ClinGen allele CA001303.
Genomic context (GRCh38, chr17:43,093,571, plus strand): 5'-GTTCTTTACCTTCCATGAGTTGTAGGTTTCTGCTGTGCCTGACTGGCATTTGGTTGTACT[T>A]TTTTTTCTTTATCTCTTCACTGCTAGAACAACTATCAATTTGCAATTCAGTACAATTAGG-3'

ClinVar aggregate classification (germline): Pathogenic. Review status: reviewed by expert panel (3 of 4 stars). 13 submissions from 13 submitters: Pathogenic (1). 12 of the submissions do not count toward it. Last evaluated 2016-09-08.

Conditions:
Hereditary cancer-predisposing syndrome. Also called: Tumor predisposition; Neoplastic Syndromes, Hereditary; Hereditary Cancer Syndrome; Hereditary neoplastic syndrome. Identifiers: Orphanet 140162, MedGen C0027672, MeSH D009386, MONDO:0015356.
Hereditary breast ovarian cancer syndrome. Also called: Hereditary breast and ovarian cancer syndrome (HBOC); Hereditary breast and ovarian cancer syndrome; Hereditary breast and ovarian cancer; Hereditary breast and/or ovarian cancer syndrome; Breast and ovarian cancer; BRCA1- and BRCA2-Associated Hereditary Breast and Ovarian Cancer. Identifiers: Orphanet 145, MedGen C0677776, MeSH D061325, MONDO:0003582. Disease mechanism: loss of function.
Breast-ovarian cancer, familial, susceptibility to, 1 (BROVCA1). Also called: OVARIAN CANCER, SUSCEPTIBILITY TO; BRCA1 Hereditary Breast and Ovarian Cancer. Identifiers: Orphanet 145, MedGen C2676676, MONDO:0011450, OMIM 604370. Disease mechanism: loss of function.

Allele frequency attached by ClinVar (database versions not stated): gnomAD 0.00001; TOPMed 0.00001.
gnomAD v4.1: 1 of 1,613,946 alleles (0.000062%); highest among the groups gnomAD compares: Non-Finnish European, 0.000085%; no homozygotes.

Submissions (13):

Evidence-based Network for the Interpretation of Germline Mutant Alleles (ENIGMA)
Classification: Pathogenic for Breast-ovarian cancer, familial, susceptibility to, 1. Last evaluated: 2016-09-08. Review status: reviewed by expert panel. Criteria: ENIGMA BRCA1/2 Classification Criteria (2015). Collection method: curation. Allele origin: germline.
Comment: Variant allele predicted to encode a truncated non-functional protein.

Labcorp Genetics (formerly Invitae), Labcorp
Classification: Pathogenic for Hereditary breast ovarian cancer syndrome. Last evaluated: 2026-01-13. Review status: criteria provided, single submitter. Criteria: Invitae Variant Classification Sherloc (09022015). Collection method: clinical testing. Allele origin: germline. Not counted in ClinVar's aggregate classification.
Comment: This sequence change creates a premature translational stop signal (p.Lys654*) in the BRCA1 gene. It is expected to result in an absent or disrupted protein product. Loss-of-function variants in BRCA1 are known to be pathogenic (PMID: 20104584). This variant is present in population databases (rs80357355, gnomAD 0.007%). This premature translational stop signal has been observed in individual(s) with a personal or family history of breast and/or ovarian cancer (PMID: 16030099, 18159056, 23233716). ClinVar contains an entry for this variant (Variation ID: 37436). For these reasons, this variant has been classified as Pathogenic.

Color Diagnostics, LLC DBA Color Health
Classification: Pathogenic for Hereditary cancer-predisposing syndrome. Last evaluated: 2025-09-30. Review status: criteria provided, single submitter. Criteria: ACMG Guidelines, 2015. Collection method: clinical testing. Allele origin: germline. Not counted in ClinVar's aggregate classification.
Comment: This variant changes 1 nucleotide in exon 10 of the BRCA1 gene, creating a premature translation stop signal. This variant is expected to result in an absent or non-functional protein product. This variant has been reported in at least two individuals affected with breast cancer (PMID: 18159056, 23233716) and over 10 suspected hereditary breast and ovarian cancer families (PMID: 29446198). This variant has been identified in 1/31396 chromosomes in the general population by the Genome Aggregation Database (gnomAD). Loss of BRCA1 function is a known mechanism of disease. Based on the available evidence, this variant is classified as Pathogenic.

Ambry Genetics
Classification: Pathogenic for Hereditary cancer-predisposing syndrome. Last evaluated: 2024-11-01. Review status: criteria provided, single submitter. Criteria: Ambry Variant Classification Scheme 2023. Collection method: clinical testing. Allele origin: germline. Not counted in ClinVar's aggregate classification.
Comment: The p.K654* pathogenic mutation (also known as c.1960A>T), located in coding exon 9 of the BRCA1 gene, results from an A to T substitution at nucleotide position 1960. This changes the amino acid from a lysine to a stop codon within coding exon 9. This variant was identified in multiple individuals with either a personal or strong family history of breast and/or ovarian cancer (Weitzel JN et al. Cancer Epidemiol. Biomarkers Prev. 2005 Jul;14:1666-71; John EM et al. JAMA. 2007 Dec;298:2869-76; Millan Catalan O et al. Cancers (Basel), 2019 Aug;11:). This variant was also identified in a large, worldwide study of BRCA1/2 mutation positive families (Rebbeck TR et al. Hum Mutat, 2018 05;39:593-620). Of note, this variant is also designated as K654X in published literature. In addition to the clinical data presented in the literature, this alteration is expected to result in loss of function by premature protein truncation or nonsense-mediated mRNA decay. As such, this alteration is interpreted as a disease-causing mutation.

Baylor Genetics
Classification: Pathogenic for Breast-ovarian cancer, familial, susceptibility to, 1. Last evaluated: 2023-11-24. Review status: criteria provided, single submitter. Criteria: ACMG Guidelines, 2015. Collection method: clinical testing. Allele origin: unknown. Not counted in ClinVar's aggregate classification.

GeneDx
Classification: Pathogenic. Last evaluated: 2023-11-14. Review status: criteria provided, single submitter. Criteria: GeneDx Variant Classification Process June 2021. Collection method: clinical testing. Allele origin: germline. Affected: yes. Not counted in ClinVar's aggregate classification.
Comment: Nonsense variant predicted to result in protein truncation or nonsense mediated decay in a gene for which loss of function is a known mechanism of disease; Observed in individuals with a personal or family history consistent with pathogenic variants in this gene (PMID: 18159056, 23233716, 25186627, 29446198); Not observed at significant frequency in large population cohorts (gnomAD); Truncating variants in this gene are considered pathogenic by a well-established clinical consortium and/or database; Also known as 2079A>T; This variant is associated with the following publications: (PMID: 25371446, 23233716, 16030099, 25525159, 28127413, 18159056, 28152038, 26295337, 29446198, 25186627, 31454914, 30720243)

All of Us Research Program, National Institutes of Health
Classification: Pathogenic for Breast-ovarian cancer, familial, susceptibility to, 1. Last evaluated: 2023-08-15. Review status: criteria provided, single submitter. Criteria: ACMG Guidelines, 2015. Collection method: clinical testing. Allele origin: germline. Inheritance: Autosomal dominant inheritance. Observed: 1 variant allele, 1 heterozygote. Not counted in ClinVar's aggregate classification.
Comment: This variant changes 1 nucleotide in exon 10 of the BRCA1 gene, creating a premature translation stop signal. This variant is expected to result in an absent or non-functional protein product. This variant has been reported in at least one individual affected with breast cancer (PMID: 18159056, 23233716). This variant has been identified in 1/31396 chromosomes in the general population by the Genome Aggregation Database (gnomAD). Loss of BRCA1 function is a known mechanism of disease. Based on the available evidence, this variant is classified as Pathogenic.

This study involves interpretation of variants in research participants for the purpose of population health screening. Participant phenotype was not available at the time of variant classification. Additional details can be found in publication PMID: 35346344, PMCID: PMC8962531

Quest Diagnostics Nichols Institute San Juan Capistrano
Classification: Pathogenic. Last evaluated: 2023-05-26. Review status: criteria provided, single submitter. Criteria: Quest Diagnostics criteria. Collection method: clinical testing. Allele origin: unknown. Not counted in ClinVar's aggregate classification.
Comment: This variant causes the premature termination of BRCA1 protein synthesis. The frequency of this variant in the general population, 0.000032 (1/31396 chromosomes), is consistent with pathogenicity. In the published literature, this variant has been reported in individuals with hereditary breast and/or ovarian cancer (PMIDs: 31454914 (2019), 23233716 (2013), 18159056 (2007), 16030099 (2005)). Based on the available information, this variant is classified as pathogenic.

Women's Health and Genetics/Laboratory Corporation of America, LabCorp
Classification: Pathogenic for Hereditary breast and ovarian cancer syndrome. Last evaluated: 2018-09-13. Review status: criteria provided, single submitter. Criteria: LabCorp Variant Classification Summary - May 2015. Collection method: clinical testing. Allele origin: germline. Not counted in ClinVar's aggregate classification.
Comment: Variant summary: BRCA1 c.1960A>T (p.Lys654X) results in a premature termination codon, predicted to cause a truncation of the encoded protein or absence of the protein due to nonsense mediated decay, which are commonly known mechanisms for disease. Truncations downstream of this position have been classified as pathogenic by our laboratory (e.g., p.Lys654fsX47 and p.Leu668fsX5). The variant was absent in 121332 control chromosomes (gnomAD). c.1960A>T has been reported in the literature in multiple individuals affected with Hereditary Breast and Ovarian Cancer. These data indicate that the variant is very likely to be associated with disease. To our knowledge, no experimental evidence demonstrating an impact on protein function has been reported. Seven ClinVar submissions from clinical diagnostic laboratories (evaluation after 2014) cite the variant as pathogenic. Based on the evidence outlined above, the variant was classified as pathogenic.

Consortium of Investigators of Modifiers of BRCA1/2 (CIMBA), c/o University of Cambridge
Classification: Pathogenic for Breast-ovarian cancer, familial, susceptibility to, 1. Last evaluated: 2015-10-02. Review status: criteria provided, single submitter. Criteria: CIMBA Mutation Classification guidelines May 2016. Collection method: clinical testing. Allele origin: germline. Not counted in ClinVar's aggregate classification.

Counsyl
Classification: Pathogenic for Breast-ovarian cancer, familial, susceptibility to, 1. Last evaluated: 2015-11-23. Review status: no assertion criteria provided. Collection method: clinical testing. Allele origin: unknown. Not counted in ClinVar's aggregate classification.

Sharing Clinical Reports Project (SCRP)
Classification: Pathogenic for Breast-ovarian cancer, familial 1. Last evaluated: 2012-01-06. Review status: no assertion criteria provided. Collection method: clinical testing. Allele origin: germline. Not counted in ClinVar's aggregate classification.

Breast Cancer Information Core (BIC) (BRCA1)
Classification: Pathogenic for Breast-ovarian cancer, familial 1. Last evaluated: 2002-05-29. Review status: no assertion criteria provided. Collection method: clinical testing. Allele origin: germline. Affected: yes. Observed: 2 variant alleles. Not counted in ClinVar's aggregate classification.

Literature cited by the submitters: PubMed 20104584 (cited by Labcorp Genetics (formerly Invitae), Labcorp); PubMed 16030099 (cited by 4 submitters); PubMed 18159056 (cited by 7 submitters); PubMed 23233716 (cited by 4 submitters); PubMed 29446198 (cited by 3 submitters); PubMed 28152038 (cited by Ambry Genetics and Quest Diagnostics Nichols Institute San Juan Capistrano); PubMed 31454914 (cited by Ambry Genetics and Quest Diagnostics Nichols Institute San Juan Capistrano); PubMed 30720243 (cited by Quest Diagnostics Nichols Institute San Juan Capistrano); PubMed 26295337 (cited by Quest Diagnostics Nichols Institute San Juan Capistrano); PubMed 16267036 (cited by Women's Health and Genetics/Laboratory Corporation of America, LabCorp); PubMed 25525159 (cited by Counsyl).